The following is an entry in ClinVar:

ClinVar aggregate classification (germline): Uncertain significance (1 of 4 stars; one submission).

Conditions:
Neuropathy, hereditary sensory, type 2C. Also called: Hereditary sensory and autonomic neuropathy type IIC; KIF1A-Related HSAN2 (HSAN2C). Identifiers: Orphanet 970, MedGen C3280168, MONDO:0013634, OMIM 614213.
Intellectual disability, autosomal dominant 9 (NESCAVS). Also called: NESCAV SYNDROME; KIF1A-Related Neurodevelopmental Disorder. Identifiers: Orphanet 662367, MedGen C5393830, MONDO:0013656, OMIM 614255.
Hereditary spastic paraplegia 30. Identifiers: Orphanet 101010, MedGen C5235139, MONDO:0012476.

Allele frequency attached by ClinVar (database versions not stated): TOPMed below 0.00001.

Submission:

Labcorp Genetics (formerly Invitae), Labcorp
Classification: Uncertain significance for Hereditary spastic paraplegia 30; Neuropathy, hereditary sensory, type 2C; Intellectual disability, autosomal dominant 9. Last evaluated: 2024-03-08. Review status: criteria provided, single submitter. Criteria: Invitae Variant Classification Sherloc (09022015). Collection method: clinical testing. Allele origin: germline.
Comment: This sequence change replaces threonine, which is neutral and polar, with proline, which is neutral and non-polar, at codon 1278 of the KIF1A protein (p.Thr1278Pro). This variant is not present in population databases (gnomAD no frequency). This variant has not been reported in the literature in individuals affected with KIF1A-related conditions. ClinVar contains an entry for this variant (Variation ID: 2103969). Advanced modeling of protein sequence and biophysical properties (such as structural, functional, and spatial information, amino acid conservation, physicochemical variation, residue mobility, and thermodynamic stability) performed at Invitae indicates that this missense variant is not expected to disrupt KIF1A protein function with a negative predictive value of 95%. In summary, the available evidence is currently insufficient to determine the role of this variant in disease. Therefore, it has been classified as a Variant of Uncertain Significance.

NM_001244008.2(KIF1A):c.4135A>C (p.Thr1379Pro)

Gene: KIF1A (kinesin family member 1A; minus strand). Cytogenetic location: 2q37.3.
Variant type: single nucleotide variant.
Coding change: c.4135A>C on transcript NM_001244008.2 (MANE Select); coding-DNA position 4135, A replaced by C.
Protein change: p.Thr1379Pro; replaces threonine 1379 with proline.
Molecular consequence: missense variant.
Genome position (GRCh38, 1-based): chr2:240,725,392, T>G on the plus strand (A>C on the coding strand, the complement: KIF1A is on the minus strand). VCF-style: chr2-240725392-T-G. GRCh37 (hg19) VCF-style: chr2-241664809-T-G.
Other names: c.3859A>C, p.Thr1287Pro (NM_001320705.2, NM_001379649.1); c.3886A>C, p.Thr1296Pro (NM_001330289.2); c.3934A>C, p.Thr1312Pro (NM_001330290.2, NM_001379648.1); c.4210A>C, p.Thr1404Pro (NM_001379631.1); c.4111A>C, p.Thr1371Pro (NM_001379632.1); c.4108A>C, p.Thr1370Pro (NM_001379633.1, NM_001379645.1); c.3961A>C, p.Thr1321Pro (NM_001379634.1); c.3958A>C, p.Thr1320Pro (NM_001379635.1, NM_001379646.1); and 7 more; short protein forms T1312P, T1316P, T1286P, T1287P, T1295P, T1296P, T1320P, T1370P.
Identifiers: ClinVar variation 2103969 (VCV002103969.3), dbSNP rs1575525513, ClinGen allele CA351308304.
Genomic context (GRCh38, chr2:240,725,392, plus strand): 5'-GCTTGGCATCACGGGAATAGAAGACCATGCAGAAGTCCTTGGTGACAACAGCCGGCTGGG[T>G]GCAGTTCTCCATCTGAGATAGGCGGGAGCAGGACTCAGGCACAAGGACACCCCGAGTGCC-3'
Protein context (NP_001230937.1, residues 1369-1389): LSAYIEMENC[Thr1379Pro]QPAVVTKDFC